The following is an entry in ClinVar:

NM_012469.4(PRPF6):c.1023+4A>C

Gene: PRPF6 (pre-mRNA processing factor 6; plus strand). Cytogenetic location: 20q13.33.
Variant type: single nucleotide variant.
Coding change: c.1023+4A>C on transcript NM_012469.4 (MANE Select); 4 bases into the intron after coding-DNA position 1023, A replaced by C.
Molecular consequence: intron variant.
Genome position (GRCh38, 1-based): chr20:63,999,763, A>C. VCF-style: chr20-63999763-A-C. GRCh37 (hg19) VCF-style: chr20-62631116-A-C.
Identifiers: ClinVar variation 1045424 (VCV001045424.6), dbSNP rs779386217, ClinGen allele CA9972053.

ClinVar aggregate classification (germline): Uncertain significance (1 of 4 stars; one submission).

Allele frequency attached by ClinVar (database versions not stated): gnomAD exomes below 0.00001 and 0.00001; ExAC 0.00001; TOPMed 0.00001.
gnomAD v4.1: 5 of 1,613,932 alleles (0.00031%); highest among the groups gnomAD compares: Admixed American, 0.0033%; no homozygotes.

Submission:

Labcorp Genetics (formerly Invitae), Labcorp
Classification: Uncertain significance. Last evaluated: 2024-02-23. Review status: criteria provided, single submitter. Criteria: Invitae Variant Classification Sherloc (09022015). Collection method: clinical testing. Allele origin: germline.
Comment: This sequence change falls in intron 8 of the PRPF6 gene. It does not directly change the encoded amino acid sequence of the PRPF6 protein. It affects a nucleotide within the consensus splice site. This variant is present in population databases (rs779386217, gnomAD 0.006%). This variant has not been reported in the literature in individuals affected with PRPF6-related conditions. ClinVar contains an entry for this variant (Variation ID: 1045424). Variants that disrupt the consensus splice site are a relatively common cause of aberrant splicing (PMID: 17576681, 9536098). Algorithms developed to predict the effect of sequence changes on RNA splicing suggest that this variant is not likely to affect RNA splicing. In summary, the available evidence is currently insufficient to determine the role of this variant in disease. Therefore, it has been classified as a Variant of Uncertain Significance.

Literature cited by the submitters: PubMed 17576681; PubMed 9536098.